The following is an entry in ClinVar:

ClinVar aggregate classification (germline): Uncertain significance (1 of 4 stars; one submission).

Conditions:
Developmental and epileptic encephalopathy, 48 (DEE48). Also called: Epileptic encephalopathy, early infantile, 48. Identifiers: MedGen C4310637, MONDO:0015000, OMIM 617276.

Submission:

Laboratorio de Genetica e Diagnostico Molecular, Hospital Israelita Albert Einstein
Classification: Uncertain significance for Developmental and epileptic encephalopathy, 48. Last evaluated: 2022-11-10. Review status: criteria provided, single submitter. Criteria: ACMG Guidelines, 2015. Collection method: clinical testing. Allele origin: germline. Affected: yes. Observed: 1 variant allele.
Comment: ACMG classification criteria: PM2 moderated, PP3 supporting

NM_001278512.2(AP3B2):c.1110+5G>A

Genes: AP3B2 (adaptor related protein complex 3 subunit beta 2; minus strand), CPEB1-AS1 (CPEB1 antisense RNA 1; plus strand). Cytogenetic location: 15q25.2.
Variant type: single nucleotide variant.
Coding change: c.1110+5G>A on transcript NM_001278512.2 (MANE Select); 5 bases into the intron after coding-DNA position 1110, G replaced by A.
Molecular consequence: intron variant.
Genome position (GRCh38, 1-based): chr15:82,680,170, C>T on the plus strand (G>A on the coding strand, the complement: AP3B2 is on the minus strand). VCF-style: chr15-82680170-C-T. GRCh37 (hg19) VCF-style: chr15-83348922-C-T.
Other names: c.1014+5G>A (NM_001278511.2); c.1110+5G>A (NM_004644.5).
Identifiers: ClinVar variation 2431900 (VCV002431900.1), dbSNP rs2048310867, ClinGen allele CA2191481080.